The following is an entry in ClinVar:

NM_000038.6(APC):c.657C>A (p.Ala219=)

Gene: APC (APC regulator of Wnt signaling pathway; plus strand). Cytogenetic location: 5q22.2.
Variant type: single nucleotide variant.
Coding change: c.657C>A on transcript NM_000038.6 (MANE Select); coding-DNA position 657, C replaced by A.
Protein change: p.Ala219=; no amino-acid change (alanine 219 retained).
Molecular consequence: synonymous variant. On other transcripts: 5 prime UTR variant (4), non-coding transcript variant (2), intron variant (5).
Genome position (GRCh38, 1-based): chr5:112,792,457, C>A. VCF-style: chr5-112792457-C-A. GRCh37 (hg19) VCF-style: chr5-112128154-C-A.
Other names: c.657C>A, p.Ala219= (NM_001127510.3, NM_001354895.2, NM_001354896.2 and 12 more transcripts); c.687C>A, p.Ala229= (NM_001354897.2, NM_001354902.2, NM_001407446.1); c.582C>A, p.Ala194= (NM_001354898.2, NM_001354904.2, NM_001407451.1); c.480C>A, p.Ala160= (NM_001354900.2, NM_001354901.2, NM_001354905.2 and 1 more transcripts); c.-379C>A (NM_001354906.2, NM_001407470.1, NM_001407471.1 and 1 more transcripts); c.646-8822C>A (NM_001407452.1, NM_001407469.1, NM_001354899.2 and 1 more transcripts); c.676-8822C>A (NM_001127511.3).
Identifiers: ClinVar variation 3148082 (VCV003148082.1), dbSNP rs2149684115, ClinGen allele CA445755553.

ClinVar aggregate classification (germline): Benign (1 of 4 stars; one submission).

Conditions:
Familial adenomatous polyposis 1 (FAP1). Also called: POLYPOSIS, ADENOMATOUS INTESTINAL; FAMILIAL ADENOMATOUS POLYPOSIS 1, ATTENUATED. Identifiers: MedGen C2713442, MONDO:0021056, OMIM 175100. Disease mechanism: loss of function.

Allele frequency attached by ClinVar (database versions not stated): gnomAD exomes below 0.00001.
gnomAD v4.1: 1 of 1,609,466 alleles (0.000062%); highest among the groups gnomAD compares: Non-Finnish European, 0.000085%; no homozygotes.

Submission:

Myriad Genetics, Inc.
Classification: Benign for Familial adenomatous polyposis 1. Last evaluated: 2024-02-26. Review status: criteria provided, single submitter. Criteria: Myriad Autosomal Dominant, Autosomal Recessive and X-Linked Classification Criteria (2023). Collection method: clinical testing. Allele origin: unknown.
Comment: This variant is considered benign. This variant is a silent/synonymous amino acid change and it is not expected to impact splicing.